The following is an entry in ClinVar:

NM_000138.5(FBN1):c.4615C>T (p.Arg1539Ter)

Gene: FBN1 (fibrillin 1; minus strand). Cytogenetic location: 15q21.1.
Variant type: single nucleotide variant.
Coding change: c.4615C>T on transcript NM_000138.5 (MANE Select); coding-DNA position 4615, C replaced by T.
Protein change: p.Arg1539Ter; replaces arginine 1539 with a stop codon.
Molecular consequence: nonsense.
Genome position (GRCh38, 1-based): chr15:48,468,070, G>A on the plus strand (C>T on the coding strand, the complement: FBN1 is on the minus strand). VCF-style: chr15-48468070-G-A. GRCh37 (hg19) VCF-style: chr15-48760267-G-A.
Other names: p.R1539X:CGA>TGA; NP_000129.3:p.Arg1539Ter; short protein forms R1539*.
Identifiers: ClinVar variation 42366 (VCV000042366.43), dbSNP rs111231312, ClinGen allele CA015241.

ClinVar aggregate classification (germline): Pathogenic. Review status: criteria provided, multiple submitters, no conflicts (2 of 4 stars). 12 submissions from 12 submitters: Pathogenic (11). 1 of the submissions does not count toward it. Last evaluated 2026-07-16.

Conditions:
Marfan syndrome (MFS). Also called: FBN1-Related Marfan Syndrome; MARFAN SYNDROME, TYPE I; Marfan syndrome type 1; Marfan's syndrome; Marfan syndrome, classic. Identifiers: Orphanet 284963, Orphanet 558, MedGen C0024796, MONDO:0007947, OMIM 154700.
Familial thoracic aortic aneurysm and aortic dissection (TAAD). Also called: Thoracic aortic aneurysms and dissections. Identifiers: Orphanet 91387, MedGen C4707243, MONDO:0019625.
Cardiovascular phenotype. Identifiers: MedGen CN230736.
FBN1-related disorder. Also called: FBN1-related disorders.

Allele frequency attached by ClinVar (database versions not stated): gnomAD exomes below 0.00001.
gnomAD v4.1: 1 of 1,614,056 alleles (0.000062%); highest among the groups gnomAD compares: South Asian, 0.0011%; no homozygotes.

Submissions (12):

Research Center of Medical Experimental Technology, The Third Xiangya Hospital of Central South University
Classification: Pathogenic for Marfan syndrome. Last evaluated: 2026-07-16. Review status: criteria provided, single submitter. Criteria: Drackley et al. (Genome Med. 2024). Collection method: clinical testing. Allele origin: germline. Affected: yes.
Comment: The c.4615C>T (p.Arg1539Ter) variant, located in exon 38 of the FBN1 gene, results from a C to T substitution at position c.4615, introducing a premature termination codon at position 1539 to replace arginine (Arg), which is expected to result in a truncated or absent protein product through nonsense-mediated mRNA decay. This variant is not present in population databases (no frequency in gnomAD v2.1.1). This variant has been recurrently observed in individuals with Marfan syndrome (PMID: 11175294, 11700157, 15241795, 18435798, 19293843, 19863550, 21542060, 22772377, 23684891, 25101912, 31098894, 31279664, 31447099, 33059708, 33436942). ClinVar contains an entry for this variant (Variation ID: 42366). In summary, this variant meets the criteria to be classified as Pathogenic.

Molecular Diagnostic Laboratory for Inherited Cardiovascular Disease, Montreal Heart Institute
Classification: Pathogenic for Cardiovascular phenotype. Last evaluated: 2026-03-30. Review status: criteria provided, single submitter. Criteria: ACMG Guidelines, 2015. Collection method: clinical testing. Allele origin: germline. Affected: yes.

Labcorp Genetics (formerly Invitae), Labcorp
Classification: Pathogenic for Marfan syndrome; Familial thoracic aortic aneurysm and aortic dissection. Last evaluated: 2025-12-23. Review status: criteria provided, single submitter. Criteria: Invitae Variant Classification Sherloc (09022015). Collection method: clinical testing. Allele origin: germline.
Comment: This sequence change creates a premature translational stop signal (p.Arg1539*) in the FBN1 gene. It is expected to result in an absent or disrupted protein product. Loss-of-function variants in FBN1 are known to be pathogenic (PMID: 17657824, 19293843). This variant is not present in population databases (gnomAD no frequency). This premature translational stop signal has been observed in individuals with Marfan syndrome (PMID: 11175294, 11700157, 15241795, 18435798, 19863550, 21542060, 22772377, 25101912). ClinVar contains an entry for this variant (Variation ID: 42366). For these reasons, this variant has been classified as Pathogenic.

Dasa
Classification: Pathogenic. Last evaluated: 2025-06-17. Review status: criteria provided, single submitter. Criteria: DASA Assertion Criteria. Collection method: clinical testing. Allele origin: germline.
Comment: NM_000138.5(FBN1):c.4615C>T (p.Arg1539*) introduces a premature termination codon predicted to result in loss of normal protein function. Loss-of-function is an established mechanism of disease for this gene. Segregation evidence has been reported in affected families. This variant has been recurrently observed in individuals with related phenotype (PMID: 11175294; PMID: 11700157; PMID: 15241795; PMID: 18435798; PMID: 21542060). The variant is present at low frequency in population datasets. Based on the available data, this variant is classified as pathogenic.

3billion
Classification: Pathogenic for Marfan syndrome. Last evaluated: 2025-05-28. Review status: criteria provided, single submitter. Criteria: ACMG Guidelines, 2015. Collection method: clinical testing. Allele origin: germline. Affected: yes.
Comment: The variant is observed at an extremely low frequency in the gnomAD v4.1.0 dataset (total allele frequency: <0.001%). Predicted Consequence/Location: Stop-gained (nonsense): predicted to result in a loss or disruption of normal protein function through nonsense-mediated decay (NMD) or protein truncation. Multiple pathogenic variants are reported downstream of the variant. The variant has been reported at least twice as pathogenic with clinical assertions and evidence for the classification (ClinVar ID: VCV000042366 /PMID: 11175294 /3billion dataset). Therefore, this variant is classified as Pathogenic according to the recommendation of ACMG/AMP guideline.

Blueprint Genetics
Classification: Pathogenic for FBN1-related disorders. Last evaluated: 2021-07-28. Review status: criteria provided, single submitter. Criteria: ACMG Guidelines, 2015. Collection method: clinical testing. Allele origin: germline. Affected: yes. Observed: 1 variant allele.

GeneDx
Classification: Pathogenic. Last evaluated: 2021-03-02. Review status: criteria provided, single submitter. Criteria: GeneDx Variant Classification Process June 2021. Collection method: clinical testing. Allele origin: germline. Affected: yes.
Comment: Reported in ClinVar as pathogenic (ClinVar Variant ID# 42366; Landrum et al., 2016); Not observed in large population cohorts (Lek et al., 2016); Nonsense variant predicted to result in protein truncation or nonsense mediated decay in a gene for which loss-of-function is a known mechanism of disease; This variant is associated with the following publications: (PMID: 11175294, 25101912, 22772377, 19293843, 18435798, 15241795, 11700157, 23684891, 21542060, 19863550, 31279664, 31098894, 31447099, 33436942, 33059708)

Centre of Medical Genetics, University of Antwerp
Classification: Pathogenic for Marfan syndrome. Last evaluated: 2021-03-01. Review status: criteria provided, single submitter. Criteria: Submitter's publication. Collection method: research. Allele origin: unknown. Affected: yes.
Comment: PM2, PVS1, PP4

Laboratory for Molecular Medicine, Mass General Brigham Personalized Medicine
Classification: Pathogenic for Marfan syndrome. Last evaluated: 2020-08-18. Review status: criteria provided, single submitter. Criteria: LMM Criteria. Collection method: clinical testing. Allele origin: germline. Inheritance: Autosomal dominant inheritance. Observed: 6 variant alleles.
Comment: The p.Arg1539X variant in FBN1 has been reported in >10 individuals with clinical features of Marfan syndrome, including a de novo occurrence in one of these individuals, and segregated with disease in three affected relative from three families (Tiecke 2001 PMID: 11175294, Loeys 2001 PMID: 11700157, Loeys 2004 PMID: 15241795, Attanasio 2008 PMID: 18435798, Attanasio 2013 PMID: 23684891, Stheneur 2009 PMID: 19293843, Yoo 2010 PMID: 19863550, Baetens 2011 PMID: 21542060, Wang 2013 PMID: 22772377, Baudhuin 2015 PMID: 25101912, Gao 2019 PMID: 31279664, Li 2019 PMID: 31098894, LMM data). It was absent from large population studies. The p.Arg1539X variant has been reported in ClinVar (Variation ID 42366). This nonsense variant leads to a premature termination codon at position 1539, which is predicted to lead to a truncated or absent protein. Heterozygous loss of function of the FBN1 gene is an established disease mechanism in Marfan syndrome. In summary, this variant meets criteria to be classified as pathogenic for autosomal dominant Marfan syndrome. ACMG/AMP criteria applied: PVS1, PS4, PM2, PM6, PP1.

AiLife Diagnostics
Classification: Pathogenic. Last evaluated: 2020-05-20. Review status: criteria provided, single submitter. Criteria: ACMG Guidelines, 2015. Collection method: clinical testing. Allele origin: germline. Affected: yes. Observed: 1 variant allele.

Ambry Genetics
Classification: Pathogenic for Familial thoracic aortic aneurysm and aortic dissection. Last evaluated: 2016-07-12. Review status: criteria provided, single submitter. Criteria: Ambry Variant Classification Scheme 2023. Collection method: clinical testing. Allele origin: germline.
Comment: The p.R1539* pathogenic mutation (also known as c.4615C>T), located in coding exon 37 of the FBN1 gene, results from a C to T substitution at nucleotide position 4615. This changes the amino acid from an arginine to a stop codon within coding exon 37. This mutation has been reported in patients with clinical features of classic Marfan syndrome (Tiecke F et al. Eur J Hum Genet 2001;9:13-21, Loeys B et al. Arch Intern Med 2001;161:2447-54, Attanasio M et al. Eur J Med Genet 2013;56:356-60, Wang WJ et al. J Mol Med 2013;91:37-47, Baudhuin LM et al. J Hum Genet 2015;60:241-52). In addition to the clinical data presented in the literature, this alteration is expected to result in loss of function by premature protein truncation or nonsense-mediated mRNA decay. As such, this alteration is interpreted as a disease-causing mutation.

Center for Medical Genetics Ghent, University of Ghent
Classification: Pathogenic for Marfan syndrome. Last evaluated: 2017-11-07. Review status: no assertion criteria provided. Collection method: clinical testing. Allele origin: germline. Affected: yes. Not counted in ClinVar's aggregate classification.

Literature cited by the submitters: PubMed 11175294 (cited by 7 submitters); PubMed 11700157 (cited by 5 submitters); PubMed 15241795 (cited by 4 submitters); PubMed 18435798 (cited by 4 submitters); PubMed 19293843 (cited by 3 submitters); PubMed 19863550 (cited by 3 submitters); PubMed 21542060 (cited by 4 submitters); PubMed 22772377 (cited by 5 submitters); PubMed 23684891 (cited by 3 submitters); PubMed 25101912 (cited by 4 submitters); PubMed 31098894 (cited by 3 submitters); PubMed 31279664 (cited by 3 submitters); PubMed 31447099 (cited by Research Center of Medical Experimental Technology, The Third Xiangya Hospital of Central South University); PubMed 33059708 (cited by Research Center of Medical Experimental Technology, The Third Xiangya Hospital of Central South University); PubMed 33436942 (cited by Research Center of Medical Experimental Technology, The Third Xiangya Hospital of Central South University); PubMed 17657824 (cited by Labcorp Genetics (formerly Invitae), Labcorp); PubMed 25525159 (cited by AiLife Diagnostics); PubMed 25652356 (cited by Ambry Genetics).